The following is an entry in ClinVar:

ClinVar aggregate classification (germline): Uncertain significance (1 of 4 stars; one submission).

Submission:

Ambry Genetics
Classification: Uncertain significance. Last evaluated: 2025-07-06. Review status: criteria provided, single submitter. Criteria: Ambry Variant Classification Scheme 2023. Collection method: clinical testing. Allele origin: germline.
Comment: The p.N860K variant (also known as c.2580T>G), located in coding exon 1 of the MLH3 gene, results from a T to G substitution at nucleotide position 2580. The asparagine at codon 860 is replaced by lysine, an amino acid with similar properties. This amino acid position is conserved. In addition, this alteration is predicted to be tolerated by in silico analysis. Since supporting evidence is limited at this time, the clinical significance of this alteration remains unclear.

NM_001040108.2(MLH3):c.2580T>G (p.Asn860Lys)

Gene: MLH3 (mutL homolog 3; minus strand). Cytogenetic location: 14q24.3.
Variant type: single nucleotide variant.
Coding change: c.2580T>G on transcript NM_001040108.2 (MANE Select); coding-DNA position 2580, T replaced by G.
Protein change: p.Asn860Lys; replaces asparagine 860 with lysine.
Molecular consequence: missense variant.
Genome position (GRCh38, 1-based): chr14:75,047,076, A>C on the plus strand (T>G on the coding strand, the complement: MLH3 is on the minus strand). VCF-style: chr14-75047076-A-C. GRCh37 (hg19) VCF-style: chr14-75513779-A-C.
Other names: c.2580T>G, p.Asn860Lys (NM_014381.3); short protein forms N860K.
Identifiers: ClinVar variation 1793377 (VCV001793377.3), dbSNP rs755644627, ClinGen allele CA390439801.